The following is an entry in ClinVar:

ClinVar aggregate classification (germline): Uncertain significance (1 of 4 stars; one submission).

Submission:

Labcorp Genetics (formerly Invitae), Labcorp
Classification: Uncertain significance. Last evaluated: 2023-04-07. Review status: criteria provided, single submitter. Criteria: Invitae Variant Classification Sherloc (09022015). Collection method: clinical testing. Allele origin: germline.
Comment: An algorithm developed to predict the effect of missense changes on protein structure and function (PolyPhen-2) suggests that this variant is likely to be tolerated. In summary, the available evidence is currently insufficient to determine the role of this variant in disease. Therefore, it has been classified as a Variant of Uncertain Significance. This variant has not been reported in the literature in individuals affected with MYLK3-related conditions. This variant is not present in population databases (gnomAD no frequency). This sequence change replaces glycine, which is neutral and non-polar, with serine, which is neutral and polar, at codon 58 of the MYLK3 protein (p.Gly58Ser).

NM_182493.3(MYLK3):c.172G>A (p.Gly58Ser)

Gene: MYLK3 (myosin light chain kinase 3; minus strand). Cytogenetic location: 16q11.2.
Variant type: single nucleotide variant.
Coding change: c.172G>A on transcript NM_182493.3 (MANE Select); coding-DNA position 172, G replaced by A.
Protein change: p.Gly58Ser; replaces glycine 58 with serine.
Molecular consequence: missense variant. On other transcripts: intron variant (1).
Genome position (GRCh38, 1-based): chr16:46,748,022, C>T on the plus strand (G>A on the coding strand, the complement: MYLK3 is on the minus strand). VCF-style: chr16-46748022-C-T. GRCh37 (hg19) VCF-style: chr16-46781934-C-T.
Other names: c.-113-7875G>A (NM_001308301.1); short protein forms G58S.
Identifiers: ClinVar variation 2853205 (VCV002853205.3), dbSNP rs2548911544, ClinGen allele CA395798706.